The following is an entry in ClinVar:

ClinVar aggregate classification (germline): Pathogenic/Likely pathogenic. Review status: criteria provided, multiple submitters, no conflicts (2 of 4 stars). 2 submissions from 2 submitters: Pathogenic (1); Likely pathogenic (1). Last evaluated 2020-10-29.

Conditions:
PCARE-related disorder. Also called: PCARE-related condition.

Submissions (2):

Blueprint Genetics
Classification: Likely pathogenic for PCARE-related disorders. Last evaluated: 2020-10-29. Review status: criteria provided, single submitter. Criteria: ACMG Guidelines, 2015. Collection method: clinical testing. Allele origin: germline. Affected: yes. Observed: 1 variant allele.

Labcorp Genetics (formerly Invitae), Labcorp
Classification: Pathogenic. Last evaluated: 2020-02-12. Review status: criteria provided, single submitter. Criteria: Invitae Variant Classification Sherloc (09022015). Collection method: clinical testing. Allele origin: germline.
Comment: This variant is not present in population databases (ExAC no frequency). This sequence change creates a premature translational stop signal (p.Gly131*) in the PCARE gene. It is expected to result in an absent or disrupted protein product. This variant has not been reported in the literature in individuals with PCARE-related conditions. Loss-of-function variants in PCARE are known to be pathogenic (PMID: 20398886, 24339724, 26496393). For these reasons, this variant has been classified as Pathogenic.

Literature cited by the submitters: PubMed 20398886 (cited by Labcorp Genetics (formerly Invitae), Labcorp); PubMed 24339724 (cited by Labcorp Genetics (formerly Invitae), Labcorp); PubMed 26496393 (cited by Labcorp Genetics (formerly Invitae), Labcorp).

NM_001029883.3(PCARE):c.391G>T (p.Gly131Ter)

Gene: PCARE (photoreceptor cilium actin regulator; minus strand). Cytogenetic location: 2p23.2.
Variant type: single nucleotide variant.
Coding change: c.391G>T on transcript NM_001029883.3 (MANE Select); coding-DNA position 391, G replaced by T.
Protein change: p.Gly131Ter; replaces glycine 131 with a stop codon.
Molecular consequence: nonsense.
Genome position (GRCh38, 1-based): chr2:29,073,871, C>A on the plus strand (G>T on the coding strand, the complement: PCARE is on the minus strand). VCF-style: chr2-29073871-C-A. GRCh37 (hg19) VCF-style: chr2-29296737-C-A.
Other names: short protein forms G131*.
Identifiers: ClinVar variation 1076818 (VCV001076818.8), dbSNP rs2148416970, ClinGen allele CA346482406.